The following is an entry in ClinVar:

NM_000465.4(BARD1):c.684A>T (p.Glu228Asp)

Gene: BARD1 (BRCA1 associated RING domain 1; minus strand). Cytogenetic location: 2q35.
Variant type: single nucleotide variant.
Coding change: c.684A>T on transcript NM_000465.4 (MANE Select); coding-DNA position 684, A replaced by T.
Protein change: p.Glu228Asp; replaces glutamic acid 228 with aspartic acid.
Molecular consequence: missense variant. On other transcripts: non-coding transcript variant (2), intron variant (3).
Genome position (GRCh38, 1-based): chr2:214,781,190, T>A on the plus strand (A>T on the coding strand, the complement: BARD1 is on the minus strand). VCF-style: chr2-214781190-T-A. GRCh37 (hg19) VCF-style: chr2-215645914-T-A.
Other names: p.Glu228Asp; c.627A>T, p.Glu209Asp (NM_001282543.2); c.158+28222A>T (NM_001282548.2); c.215+15871A>T (NM_001282545.2); c.364+11107A>T (NM_001282549.2); short protein forms E209D, E228D.
Identifiers: ClinVar variation 826664 (VCV000826664.19), dbSNP rs780627045, ClinGen allele CA350456424.
Genomic context (GRCh38, chr2:214,781,190, plus strand): 5'-AACAGATGGTTGGCTACAGAAGGATACCAGCTTTTGCTTAGATTCCTCTTTGGAGTCAAA[T>A]TCACCATCTTCTTTTTCTGCCTCTAAATTCCATTTTTGGTTGATTTCAGCTAAAGTTTTC-3'
Protein context (NP_000456.2, residues 218-238): WNLEAEKEDG[Glu228Asp]FDSKEESKQK

ClinVar aggregate classification (germline): Uncertain significance. Review status: criteria provided, multiple submitters, no conflicts (2 of 4 stars). 6 submissions from 6 submitters: Uncertain significance (5). 1 of the submissions does not count toward it. Last evaluated 2026-06-28.

Conditions:
Hereditary cancer-predisposing syndrome. Also called: Tumor predisposition; Hereditary neoplastic syndrome; Neoplastic Syndromes, Hereditary; Hereditary Cancer Syndrome. Identifiers: Orphanet 140162, MedGen C0027672, MeSH D009386, MONDO:0015356.
Familial cancer of breast. Also called: hereditary breast carcinoma; Hereditary breast cancer; BREAST CANCER, FAMILIAL. Identifiers: Orphanet 227535, MedGen C0346153, MONDO:0016419, OMIM 114480. Disease mechanism: loss of function.

gnomAD v4.1: 4 of 1,588,156 alleles (0.00025%); highest among the groups gnomAD compares: Non-Finnish European, 0.00034%; no homozygotes.

Submissions (6):

Women's Health and Genetics/Laboratory Corporation of America, LabCorp
Classification: Uncertain significance. Last evaluated: 2026-06-28. Review status: criteria provided, single submitter. Criteria: LabCorp Variant Classification Summary - May 2015. Collection method: clinical testing. Allele origin: germline.

Labcorp Genetics (formerly Invitae), Labcorp
Classification: Uncertain significance for Familial cancer of breast. Last evaluated: 2026-01-12. Review status: criteria provided, single submitter. Criteria: Invitae Variant Classification Sherloc (09022015). Collection method: clinical testing. Allele origin: germline.
Comment: This sequence change replaces glutamic acid, which is acidic and polar, with aspartic acid, which is acidic and polar, at codon 228 of the BARD1 protein (p.Glu228Asp). This variant is not present in population databases (gnomAD no frequency). This variant has not been reported in the literature in individuals affected with BARD1-related conditions. ClinVar contains an entry for this variant (Variation ID: 826664). An algorithm developed to predict the effect of missense changes on protein structure and function outputs the following: PolyPhen-2: "Benign". The aspartic acid amino acid residue is found in multiple mammalian species, which suggests that this missense change does not adversely affect protein function. In summary, the available evidence is currently insufficient to determine the role of this variant in disease. Therefore, it has been classified as a Variant of Uncertain Significance.

Ambry Genetics
Classification: Uncertain significance for Hereditary cancer-predisposing syndrome. Last evaluated: 2025-09-17. Review status: criteria provided, single submitter. Criteria: Ambry Variant Classification Scheme 2023. Collection method: clinical testing. Allele origin: germline.
Comment: The p.E228D variant (also known as c.684A>T), located in coding exon 4 of the BARD1 gene, results from an A to T substitution at nucleotide position 684. The glutamic acid at codon 228 is replaced by aspartic acid, an amino acid with highly similar properties. This amino acid position is poorly conserved in available vertebrate species. In addition, this alteration is predicted to be tolerated by in silico analysis. Since supporting evidence is limited at this time, the clinical significance of this alteration remains unclear.

Mayo Clinic Laboratories, Mayo Clinic
Classification: Uncertain significance. Last evaluated: 2025-06-20. Review status: criteria provided, single submitter. Criteria: ACMG Guidelines, 2015. Collection method: clinical testing. Allele origin: germline. Observed: 1 variant allele.
Comment: BP4_moderate, PM2_supporting

Color Diagnostics, LLC DBA Color Health
Classification: Uncertain significance for Hereditary cancer-predisposing syndrome. Last evaluated: 2024-03-06. Review status: criteria provided, single submitter. Criteria: ACMG Guidelines, 2015. Collection method: clinical testing. Allele origin: germline.
Comment: This missense variant replaces glutamic acid with aspartic acid at codon 228 of the BARD1 protein. Computational prediction suggests that this variant may not impact protein structure and function (internally defined REVEL score threshold <= 0.5, PMID: 27666373). To our knowledge, functional studies have not been reported for this variant. This variant has not been reported in individuals affected with hereditary cancer in the literature. This variant has not been identified in the general population by the Genome Aggregation Database (gnomAD). The available evidence is insufficient to determine the role of this variant in disease conclusively. Therefore, this variant is classified as a Variant of Uncertain Significance.

Institute for Biomarker Research, Medical Diagnostic Laboratories, L.L.C.
Classification: Uncertain significance for Hereditary cancer-predisposing syndrome. Last evaluated: 2021-11-09. Review status: no assertion criteria provided. Collection method: clinical testing. Allele origin: germline. Not counted in ClinVar's aggregate classification.